The following is an entry in ClinVar:

NM_005120.3(MED12):c.5027G>T (p.Gly1676Val)

Gene: MED12 (mediator complex subunit 12; plus strand). Cytogenetic location: Xq13.1.
Variant type: single nucleotide variant.
Coding change: c.5027G>T on transcript NM_005120.3 (MANE Select); coding-DNA position 5027, G replaced by T.
Protein change: p.Gly1676Val; replaces glycine 1676 with valine.
Molecular consequence: missense variant.
Genome position (GRCh38, 1-based): chrX:71,136,282, G>T. VCF-style: chrX-71136282-G-T. GRCh37 (hg19) VCF-style: chrX-70356132-G-T.
Other names: short protein forms G1676V.
Identifiers: ClinVar variation 3343658 (VCV003343658.1).
Genomic context (GRCh38, chrX:71,136,282, plus strand): 5'-CTTGCAGTCTTCTGTTTTCTAAGTCCCAACAGCTTATTGTTTTTCATTTTCTGGAGCAGG[G>T]TCTACAGGTTTCCACCAAACAGAAGATCTCGCCCTGGGATCTTTTTGAGGGGTTGAAGCC-3'
Protein context (NP_005111.2, residues 1666-1686): AGFDSIFKKE[Gly1676Val]LQVSTKQKIS

ClinVar aggregate classification (germline): Uncertain significance (1 of 4 stars; one submission).

Submission:

GeneDx
Classification: Uncertain significance. Last evaluated: 2023-05-19. Review status: criteria provided, single submitter. Criteria: GeneDx Variant Classification Process June 2021. Collection method: clinical testing. Allele origin: germline. Affected: yes.
Comment: Not observed at significant frequency in large population cohorts (gnomAD); In silico analysis supports that this missense variant has a deleterious effect on protein structure/function; Has not been previously published as pathogenic or benign to our knowledge